The following is an entry in ClinVar:

ClinVar aggregate classification (germline): Uncertain significance (1 of 4 stars; one submission).

Conditions:
Spastic paraplegia. Identifiers: MedGen C0037772, HP:0001258.

Submission:

Labcorp Genetics (formerly Invitae), Labcorp
Classification: Uncertain significance for Spastic paraplegia. Last evaluated: 2024-10-15. Review status: criteria provided, single submitter. Criteria: Invitae Variant Classification Sherloc (09022015). Collection method: clinical testing. Allele origin: germline.
Comment: This sequence change replaces serine, which is neutral and polar, with glycine, which is neutral and non-polar, at codon 525 of the ARSI protein (p.Ser525Gly). This variant is not present in population databases (gnomAD no frequency). This variant has not been reported in the literature in individuals affected with ARSI-related conditions. An algorithm developed to predict the effect of missense changes on protein structure and function (PolyPhen-2) suggests that this variant is likely to be tolerated. In summary, the available evidence is currently insufficient to determine the role of this variant in disease. Therefore, it has been classified as a Variant of Uncertain Significance.

NM_001012301.4(ARSI):c.1573A>G (p.Ser525Gly)

Gene: ARSI (arylsulfatase family member I; minus strand). Cytogenetic location: 5q32.
Variant type: single nucleotide variant.
Coding change: c.1573A>G on transcript NM_001012301.4 (MANE Select); coding-DNA position 1573, A replaced by G.
Protein change: p.Ser525Gly; replaces serine 525 with glycine.
Molecular consequence: missense variant.
Genome position (GRCh38, 1-based): chr5:150,297,351, T>C on the plus strand (A>G on the coding strand, the complement: ARSI is on the minus strand). VCF-style: chr5-150297351-T-C. GRCh37 (hg19) VCF-style: chr5-149676914-T-C.
Other names: short protein forms S525G.
Identifiers: ClinVar variation 3650098 (VCV003650098.2).
Genomic context (GRCh38, chr5:150,297,351, plus strand): 5'-TGCGACGACCCCGGGAGAAGCTTCGAGCCCTCCCTTCCTCTTCCTCCTCTTCCTCATCAC[T>C]GGCCCAGGGCCCCCAAGCACCCCCATTAAAGTCAGGATGAGCCCGGGGGTTCTCAGCTGG-3'
Protein context (NP_001012301.1, residues 515-535): FNGGAWGPWA[Ser525Gly]DEEEEEEEGR